The following is an entry in ClinVar:

NM_021815.5(SLC5A7):c.1405G>A (p.Asp469Asn)

Gene: SLC5A7 (solute carrier family 5 member 7; plus strand). Cytogenetic location: 2q12.3.
Variant type: single nucleotide variant.
Coding change: c.1405G>A on transcript NM_021815.5 (MANE Select); coding-DNA position 1405, G replaced by A.
Protein change: p.Asp469Asn; replaces aspartic acid 469 with asparagine.
Molecular consequence: missense variant.
Genome position (GRCh38, 1-based): chr2:108,010,523, G>A. VCF-style: chr2-108010523-G-A. GRCh37 (hg19) VCF-style: chr2-108626979-G-A.
Other names: c.1405G>A, p.Asp469Asn (NM_001305005.3); c.1090G>A, p.Asp364Asn (NM_001305006.3); c.664G>A, p.Asp222Asn (NM_001305007.3); short protein forms D222N, D469N, D364N.
Identifiers: ClinVar variation 1038545 (VCV001038545.5), dbSNP rs1678280904, ClinGen allele CA348114501.

ClinVar aggregate classification (germline): Uncertain significance (1 of 4 stars; one submission).

Conditions:
Neuronopathy, distal hereditary motor, type 7A. Also called: HARPER-YOUNG MYOPATHY; HMN VIIA; NEURONOPATHY, DISTAL HEREDITARY MOTOR, HARDING TYPE VIIA; NEUROPATHY, DISTAL HEREDITARY MOTOR, HARDING TYPE VIIA; Neuronopathy, distal hereditary motor, autosomal dominant 7; Neuronopathy, distal hereditary motor, type viia. Identifiers: Orphanet 139589, MedGen C1834703, MONDO:0008024, OMIM 158580.
Congenital myasthenic syndrome 20. Also called: Myasthenic syndrome, congenital, 20, presynaptic. Identifiers: MedGen C4310694, MONDO:0014939, OMIM 617143.

Allele frequency attached by ClinVar (database versions not stated): TOPMed below 0.00001.

Submission:

Labcorp Genetics (formerly Invitae), Labcorp
Classification: Uncertain significance for Neuronopathy, distal hereditary motor, type 7A; Congenital myasthenic syndrome 20. Last evaluated: 2025-07-14. Review status: criteria provided, single submitter. Criteria: Invitae Variant Classification Sherloc (09022015). Collection method: clinical testing. Allele origin: germline.
Comment: This sequence change replaces aspartic acid, which is acidic and polar, with asparagine, which is neutral and polar, at codon 469 of the SLC5A7 protein (p.Asp469Asn). This variant is not present in population databases (gnomAD no frequency). This variant has not been reported in the literature in individuals affected with SLC5A7-related conditions. ClinVar contains an entry for this variant (Variation ID: 1038545). An algorithm developed to predict the effect of missense changes on protein structure and function outputs the following: PolyPhen-2: "Benign". The asparagine amino acid residue is found in multiple mammalian species, which suggests that this missense change does not adversely affect protein function. In summary, the available evidence is currently insufficient to determine the role of this variant in disease. Therefore, it has been classified as a Variant of Uncertain Significance.